The following is an entry in ClinVar:

NM_130384.3(ATRIP):c.785C>T (p.Pro262Leu)

Genes: ATRIP (ATR interacting protein; plus strand), ATRIP-TREX1 (ATRIP-TREX1 readthrough; plus strand). Cytogenetic location: 3p21.31.
Variant type: single nucleotide variant.
Coding change: c.785C>T on transcript NM_130384.3 (MANE Select); coding-DNA position 785, C replaced by T.
Protein change: p.Pro262Leu; replaces proline 262 with leucine.
Molecular consequence: missense variant. On other transcripts: non-coding transcript variant (1).
Genome position (GRCh38, 1-based): chr3:48,457,372, C>T. VCF-style: chr3-48457372-C-T. GRCh37 (hg19) VCF-style: chr3-48498772-C-T.
Other names: c.404C>T, p.Pro135Leu (NM_001271022.2); c.506C>T, p.Pro169Leu (NM_001271023.2); c.785C>T, p.Pro262Leu (NM_032166.4); short protein forms P169L, P135L, P262L.
Identifiers: ClinVar variation 3977218 (VCV003977218.1).
Genomic context (GRCh38, chr3:48,457,372, plus strand): 5'-TTGGAAAAACATCTTTTCCTACAAAGGAGTCTTTTAGTGCTAACATGTCCCTTCCCCACC[C>T]CTGCCAGACGGAGTCAGGATACAAGCCTCTGGTGGGCAGAGAGGGTAAGTCCATTAGTCA-3'
Protein context (NP_569055.1, residues 252-272): SFSANMSLPH[Pro262Leu]CQTESGYKPL

ClinVar aggregate classification (germline): Uncertain significance (1 of 4 stars; one submission).

gnomAD v4.1: 1 of 1,598,568 alleles (0.000063%); highest among the groups gnomAD compares: African/African-American, 0.0014%; no homozygotes.

Submission:

Ambry Genetics
Classification: Uncertain significance. Last evaluated: 2025-06-13. Review status: criteria provided, single submitter. Criteria: Ambry Variant Classification Scheme 2023. Collection method: clinical testing. Allele origin: germline.
Comment: The p.P262L variant (also known as c.785C>T), located in coding exon 5 of the ATRIP gene, results from a C to T substitution at nucleotide position 785. The proline at codon 262 is replaced by leucine, an amino acid with similar properties. This amino acid position is conserved. In addition, this alteration is predicted to be tolerated by in silico analysis. Based on the available evidence, the clinical significance of this variant remains unclear.